The following is an entry in ClinVar:

ClinVar aggregate classification (germline): Pathogenic (1 of 4 stars; one submission).

Submission:

Labcorp Genetics (formerly Invitae), Labcorp
Classification: Pathogenic. Last evaluated: 2022-04-09. Review status: criteria provided, single submitter. Criteria: Invitae Variant Classification Sherloc (09022015). Collection method: clinical testing. Allele origin: germline.
Comment: This sequence change creates a premature translational stop signal (p.Tyr1298Thrfs*14) in the COL2A1 gene. It is expected to result in an absent or disrupted protein product. Loss-of-function variants in COL2A1 are known to be pathogenic (PMID: 20179744). This variant is not present in population databases (gnomAD no frequency). This variant has not been reported in the literature in individuals affected with COL2A1-related conditions. For these reasons, this variant has been classified as Pathogenic.

Literature cited by the submitters: PubMed 20179744.

NM_001844.5(COL2A1):c.3892del (p.Tyr1298fs)

Gene: COL2A1 (collagen type II alpha 1 chain; minus strand). Cytogenetic location: 12q13.11.
Variant type: Deletion.
Coding change: c.3892del on transcript NM_001844.5 (MANE Select); coding-DNA position 3892, one base deleted (T; older notation c.3892delT).
Protein change: p.Tyr1298fs; shifts the reading frame from tyrosine 1298.
Molecular consequence: frameshift variant.
Genome position (GRCh38, 1-based): chr12:47,974,857, A deleted on the plus strand (T on the coding strand, the reverse complement: COL2A1 is on the minus strand). VCF-style (leftmost placement, unchanged base first): chr12-47974856-TA-T. GRCh37 (hg19) VCF-style: chr12-48368639-TA-T.
Other names: c.3685del, p.Tyr1229fs (NM_033150.3); short protein forms Y1229fs, Y1298fs.
Identifiers: ClinVar variation 1357598 (VCV001357598.6), dbSNP rs2136508934, ClinGen allele CA2573148591.
Genomic context (GRCh38, chr12:47,974,856, plus strand): 5'-TCCATGTTGCAGAAAACCTTCATGGCGTCCAAGGTGCAGCCTTGGTTGGGGTCAATCCAG[TA>T]GTCTCCTGCAGGGGGAAGAGGCAGCACCCATGGGGGCTCAGACAGGCACAGACACAAAAG-3'